The following is an entry in ClinVar:

NM_002880.4(RAF1):c.959C>T (p.Pro320Leu)

Gene: RAF1 (Raf-1 proto-oncogene, serine/threonine kinase; minus strand). Cytogenetic location: 3p25.2.
Variant type: single nucleotide variant.
Coding change: c.959C>T on transcript NM_002880.4 (MANE Select); coding-DNA position 959, C replaced by T.
Protein change: p.Pro320Leu; replaces proline 320 with leucine.
Molecular consequence: missense variant. On other transcripts: non-coding transcript variant (3).
Genome position (GRCh38, 1-based): chr3:12,600,183, G>A on the plus strand (C>T on the coding strand, the complement: RAF1 is on the minus strand). VCF-style: chr3-12600183-G-A. GRCh37 (hg19) VCF-style: chr3-12641682-G-A.
Other names: c.1019C>T, p.Pro340Leu (NM_001354689.3); c.959C>T, p.Pro320Leu (NM_001354690.3); c.716C>T, p.Pro239Leu (NM_001354691.3, NM_001354692.3); c.860C>T, p.Pro287Leu (NM_001354693.3); c.776C>T, p.Pro259Leu (NM_001354694.3); c.617C>T, p.Pro206Leu (NM_001354695.3); short protein forms P206L, P320L, P239L, P340L, P259L, P287L.
Identifiers: ClinVar variation 1040404 (VCV001040404.10), dbSNP rs2058815076, ClinGen allele CA351508399.

ClinVar aggregate classification (germline): Uncertain significance (1 of 4 stars; one submission).

Conditions:
RASopathy. Also called: rasopathies; Noonan spectrum disorder. Identifiers: Orphanet 536391, MedGen C5555857, MONDO:0021060.

Allele frequency attached by ClinVar (database versions not stated): gnomAD exomes below 0.00001.

Submission:

Labcorp Genetics (formerly Invitae), Labcorp
Classification: Uncertain significance for RASopathy. Last evaluated: 2022-03-18. Review status: criteria provided, single submitter. Criteria: Invitae Variant Classification Sherloc (09022015). Collection method: clinical testing. Allele origin: germline.
Comment: In summary, the available evidence is currently insufficient to determine the role of this variant in disease. Therefore, it has been classified as a Variant of Uncertain Significance. Advanced modeling of protein sequence and biophysical properties (such as structural, functional, and spatial information, amino acid conservation, physicochemical variation, residue mobility, and thermodynamic stability) performed at Invitae indicates that this missense variant is not expected to disrupt RAF1 protein function. ClinVar contains an entry for this variant (Variation ID: 1040404). This variant has not been reported in the literature in individuals affected with RAF1-related conditions. This variant is not present in population databases (gnomAD no frequency). This sequence change replaces proline, which is neutral and non-polar, with leucine, which is neutral and non-polar, at codon 320 of the RAF1 protein (p.Pro320Leu).